The following is an entry in ClinVar:

NM_001065.4(TNFRSF1A):c.452A>G (p.Asn151Ser)

Gene: TNFRSF1A (TNF receptor superfamily member 1A; minus strand). Cytogenetic location: 12p13.31.
Variant type: single nucleotide variant.
Coding change: c.452A>G on transcript NM_001065.4 (MANE Select); coding-DNA position 452, A replaced by G.
Protein change: p.Asn151Ser; replaces asparagine 151 with serine.
Molecular consequence: missense variant. On other transcripts: 5 prime UTR variant (1), non-coding transcript variant (1).
Genome position (GRCh38, 1-based): chr12:6,333,387, T>C on the plus strand (A>G on the coding strand, the complement: TNFRSF1A is on the minus strand). VCF-style: chr12-6333387-T-C. GRCh37 (hg19) VCF-style: chr12-6442553-T-C.
Other names: c.128A>G, p.Asn43Ser (NM_001346091.2); c.-126A>G (NM_001346092.2); short protein forms N151S, N43S.
Identifiers: ClinVar variation 580019 (VCV000580019.9), dbSNP rs369875050, ClinGen allele CA6405553.
Genomic context (GRCh38, chr12:6,333,387, plus strand): 5'-GGGTGGGGAGAGGGCTTGGCCTCAGGAGAGCTGCGCTCACAGGAGAGGTGCACGGTCCCA[T>C]TGAGGCAGAGGCTGCAATTGAAGCACTGGAAAAGGTTTTCACTCCAATAATGCCGGTACT-3'
Protein context (NP_001056.1, residues 141-161): FQCFNCSLCL[Asn151Ser]GTVHLSCQEK

ClinVar aggregate classification (germline): Conflicting classifications of pathogenicity. Review status: criteria provided, conflicting classifications (1 of 4 stars). 2 submissions from 2 submitters: Uncertain significance (1); Likely benign (1). Last evaluated 2025-05-26.

Conditions:
TNFRSF1A-related disorder. Also called: TNFRSF1A-related condition.
TNF receptor-associated periodic fever syndrome (TRAPS) (FPF). Also called: Autosomal Dominant Familial Periodic Fever; TNF receptor 1-associated periodic fever syndrome; FAMILIAL HIBERNIAN FEVER; TNF RECEPTOR-ASSOCIATED PERIODIC SYNDROME; TUMOR NECROSIS FACTOR RECEPTOR-ASSOCIATED PERIODIC SYNDROME; TNF Receptor-Associated Periodic Fever Syndrome. Identifiers: Orphanet 32960, MedGen C1275126, MONDO:0007727, OMIM 142680.

Allele frequency attached by ClinVar (database versions not stated): gnomAD exomes 0.00001 and 0.00005; ESP Exome Variant Server 0.00008; ExAC 0.00011; TOPMed 0.00011; gnomAD 0.00013 and 0.00015; 1000 Genomes Project 30x 0.00016; 1000 Genomes Project 0.00020.
gnomAD v4.1: 40 of 1,613,784 alleles (0.0025%); highest among the groups gnomAD compares: African/African-American, 0.035%; no homozygotes.

Submissions (2):

Labcorp Genetics (formerly Invitae), Labcorp
Classification: Likely benign for TNF receptor-associated periodic fever syndrome (TRAPS). Last evaluated: 2025-05-26. Review status: criteria provided, single submitter. Criteria: Invitae Variant Classification Sherloc (09022015). Collection method: clinical testing. Allele origin: germline.

PreventionGenetics, part of Exact Sciences
Classification: Uncertain significance for TNFRSF1A-related condition. Last evaluated: 2023-04-05. Review status: criteria provided, single submitter. Criteria: ACMG Guidelines, 2015. Collection method: clinical testing. Allele origin: germline.
Comment: The TNFRSF1A c.452A>G variant is predicted to result in the amino acid substitution p.Asn151Ser. To our knowledge, this variant has not been reported in the literature. This variant is reported in 0.036% of alleles in individuals of African descent in gnomAD. At this time, the clinical significance of this variant is uncertain due to the absence of conclusive functional and genetic evidence.